The following is an entry in ClinVar:

ClinVar aggregate classification (germline): Uncertain significance (1 of 4 stars; one submission).

Conditions:
Charcot-Marie-Tooth disease axonal type 2C (HMSN2C). Also called: Charcot-Marie-Tooth Disease Type 2, TRPV4-Related (CMT2C); CHARCOT-MARIE-TOOTH DISEASE, AXONAL, AUTOSOMAL DOMINANT, TYPE 2C; Charcot-Marie-Tooth Neuropathy Type 2C. Identifiers: Orphanet 99937, MedGen C1853710, MONDO:0011633, OMIM 606071.

Allele frequency attached by ClinVar (database versions not stated): gnomAD exomes below 0.00001 and 0.00001; TOPMed below 0.00001; ExAC 0.00001; gnomAD 0.00001.
gnomAD v4.1: 4 of 1,613,776 alleles (0.00025%); highest among the groups gnomAD compares: Non-Finnish European, 0.00034%; no homozygotes.

Submission:

Labcorp Genetics (formerly Invitae), Labcorp
Classification: Uncertain significance for Charcot-Marie-Tooth disease axonal type 2C. Last evaluated: 2023-03-26. Review status: criteria provided, single submitter. Criteria: Invitae Variant Classification Sherloc (09022015). Collection method: clinical testing. Allele origin: germline.
Comment: In summary, the available evidence is currently insufficient to determine the role of this variant in disease. Therefore, it has been classified as a Variant of Uncertain Significance. Advanced modeling of protein sequence and biophysical properties (such as structural, functional, and spatial information, amino acid conservation, physicochemical variation, residue mobility, and thermodynamic stability) performed at Invitae indicates that this missense variant is not expected to disrupt TRPV4 protein function. ClinVar contains an entry for this variant (Variation ID: 241383). This variant has not been reported in the literature in individuals affected with TRPV4-related conditions. This variant is present in population databases (rs765021989, gnomAD 0.0009%). This sequence change replaces aspartic acid, which is acidic and polar, with glutamic acid, which is acidic and polar, at codon 53 of the TRPV4 protein (p.Asp53Glu).

NM_021625.5(TRPV4):c.159T>A (p.Asp53Glu)

Gene: TRPV4 (transient receptor potential cation channel subfamily V member 4; minus strand). Cytogenetic location: 12q24.11.
Variant type: single nucleotide variant.
Coding change: c.159T>A on transcript NM_021625.5 (MANE Select); coding-DNA position 159, T replaced by A.
Protein change: p.Asp53Glu; replaces aspartic acid 53 with glutamic acid.
Molecular consequence: missense variant. On other transcripts: intron variant (1).
Genome position (GRCh38, 1-based): chr12:109,814,638, A>T on the plus strand (T>A on the coding strand, the complement: TRPV4 is on the minus strand). VCF-style: chr12-109814638-A-T. GRCh37 (hg19) VCF-style: chr12-110252443-A-T.
Other names: c.159T>A, p.Asp53Glu (NM_001177428.2, NM_001177433.2, NM_147204.3); c.80-23T>A (NM_001177431.1); short protein forms D53E.
Identifiers: ClinVar variation 241383 (VCV000241383.8), dbSNP rs765021989, ClinGen allele CA6780610.